The following is an entry in ClinVar:

ClinVar aggregate classification (germline): Benign/Likely benign. Review status: criteria provided, multiple submitters, no conflicts (2 of 4 stars). 9 submissions from 9 submitters: Benign (5); Likely benign (2). 2 of the submissions do not count toward it. Last evaluated 2026-02-04.

Conditions:
Pontocerebellar hypoplasia type 6 (PCH6). Identifiers: Orphanet 166073, MedGen C1969084, MONDO:0012683, OMIM 611523.

Allele frequency attached by ClinVar (database versions not stated): 1000 Genomes Project 0.04673; ESP Exome Variant Server 0.01699; TOPMed 0.01847; gnomAD 0.02330 and 0.02551; gnomAD exomes 0.02736 and 0.03520; ExAC 0.03626; 1000 Genomes Project 30x 0.04154.
gnomAD v4.1: 43,749 of 1,611,648 alleles (2.7%); highest among the groups gnomAD compares: East Asian, 12%; 986 homozygotes.

Submissions (9):

Labcorp Genetics (formerly Invitae), Labcorp
Classification: Benign. Last evaluated: 2026-02-04. Review status: criteria provided, single submitter. Criteria: Invitae Variant Classification Sherloc (09022015). Collection method: clinical testing. Allele origin: germline.

Women's Health and Genetics/Laboratory Corporation of America, LabCorp
Classification: Likely benign. Last evaluated: 2021-12-10. Review status: criteria provided, single submitter. Criteria: LabCorp Variant Classification Summary - May 2015. Collection method: clinical testing. Allele origin: germline.

Illumina Laboratory Services, Illumina
Classification: Benign for Pontocerebellar hypoplasia type 6. Last evaluated: 2018-01-12. Review status: criteria provided, single submitter. Criteria: ICSL Variant Classification Criteria 13 December 2019. Collection method: clinical testing. Allele origin: germline.
Comment: This variant was observed in the ICSL laboratory as part of a predisposition screen in an ostensibly healthy population. It had not been previously curated by ICSL or reported in the Human Gene Mutation Database (HGMD: prior to June 1st, 2018), and was therefore a candidate for classification through an automated scoring system. Utilizing variant allele frequency, disease prevalence and penetrance estimates, and inheritance mode, an automated score was calculated to assess if this variant is too frequent to cause the disease. Based on the score and internal cut-off values, a variant classified as benign is not then subjected to further curation. The score for this variant resulted in a classification of benign for this disease.

GeneDx
Classification: Benign. Last evaluated: 2014-01-13. Review status: criteria provided, single submitter. Criteria: GeneDx Variant Classification (06012015). Collection method: clinical testing. Allele origin: germline. Affected: yes.
Comment: This variant is considered likely benign or benign based on one or more of the following criteria: it is a conservative change, it occurs at a poorly conserved position in the protein, it is predicted to be benign by multiple in silico algorithms, and/or has population frequency not consistent with disease.

Genetic Services Laboratory, University of Chicago
Classification: Benign for AllHighlyPenetrant. Last evaluated: 2013-03-27. Review status: criteria provided, single submitter. Criteria: ACMG Guidelines, 2007. Collection method: clinical testing. Allele origin: germline. Inheritance: Autosomal recessive inheritance.

Breakthrough Genomics
Classification: Likely benign. Review status: criteria provided, single submitter. Criteria: ACMG Guidelines, 2015. Collection method: not provided. Allele origin: germline. Inheritance: Autosomal recessive inheritance. Affected: yes.

PreventionGenetics, part of Exact Sciences
Classification: Benign. Review status: criteria provided, single submitter. Criteria: ACMG Guidelines, 2015. Collection method: clinical testing. Allele origin: germline.

Natera, Inc.
Classification: Benign for Pontocerebellar hypoplasia, type 6. Last evaluated: 2020-09-16. Review status: no assertion criteria provided. Collection method: clinical testing. Allele origin: germline. Not counted in ClinVar's aggregate classification.

Mayo Clinic Laboratories, Mayo Clinic
Classification: Likely benign. Last evaluated: 2016-02-23. Review status: no assertion criteria provided. Collection method: clinical testing. Allele origin: unknown. Not counted in ClinVar's aggregate classification.

NM_020320.5(RARS2):c.991A>G (p.Ile331Val)

Gene: RARS2 (arginyl-tRNA synthetase 2, mitochondrial; minus strand). Cytogenetic location: 6q15.
Variant type: single nucleotide variant.
Coding change: c.991A>G on transcript NM_020320.5 (MANE Select); coding-DNA position 991, A replaced by G.
Protein change: p.Ile331Val; replaces isoleucine 331 with valine.
Molecular consequence: missense variant. On other transcripts: non-coding transcript variant (23).
Genome position (GRCh38, 1-based): chr6:87,521,508, T>C on the plus strand (A>G on the coding strand, the complement: RARS2 is on the minus strand). VCF-style: chr6-87521508-T-C. GRCh37 (hg19) VCF-style: chr6-88231226-T-C.
Other names: p.I331V:ATA>GTA; c.466A>G, p.Ile156Val (NM_001318785.2, NM_001350506.2, NM_001350507.2 and 4 more transcripts); c.991A>G, p.Ile331Val (NM_001350505.2); c.991A>G (NM_020320.4); short protein forms I331V, I156V.
Identifiers: ClinVar variation 130100 (VCV000130100.23), dbSNP rs3757370, ClinGen allele CA289011.